The following is an entry in ClinVar:

ClinVar aggregate classification (germline): Uncertain significance (1 of 4 stars; one submission).

Conditions:
Treacher Collins syndrome 1 (TCS1). Also called: TCOF1-Related Treacher Collins Syndrome. Identifiers: Orphanet 861, MedGen CN315775, MONDO:0007944, OMIM 154500.

gnomAD v4.1: 16 of 1,614,170 alleles (0.00099%); highest among the groups gnomAD compares: African/African-American, 0.011%; no homozygotes.

Submission:

Labcorp Genetics (formerly Invitae), Labcorp
Classification: Uncertain significance for Treacher Collins syndrome 1. Last evaluated: 2025-03-31. Review status: criteria provided, single submitter. Criteria: Invitae Variant Classification Sherloc (09022015). Collection method: clinical testing. Allele origin: germline.
Comment: This sequence change replaces valine, which is neutral and non-polar, with methionine, which is neutral and non-polar, at codon 712 of the TCOF1 protein (p.Val712Met). This variant is present in population databases (rs138128364, gnomAD 0.008%). This variant has not been reported in the literature in individuals affected with TCOF1-related conditions. Invitae Evidence Modeling of protein sequence and biophysical properties (such as structural, functional, and spatial information, amino acid conservation, physicochemical variation, residue mobility, and thermodynamic stability) indicates that this missense variant is not expected to disrupt TCOF1 protein function with a negative predictive value of 80%. In summary, the available evidence is currently insufficient to determine the role of this variant in disease. Therefore, it has been classified as a Variant of Uncertain Significance.

NM_001371623.1(TCOF1):c.2134G>A (p.Val712Met)

Gene: TCOF1 (treacle ribosome biogenesis factor 1; plus strand). Cytogenetic location: 5q32.
Variant type: single nucleotide variant.
Coding change: c.2134G>A on transcript NM_001371623.1 (MANE Select); coding-DNA position 2134, G replaced by A.
Protein change: p.Val712Met; replaces valine 712 with methionine.
Molecular consequence: missense variant.
Genome position (GRCh38, 1-based): chr5:150,376,322, G>A. VCF-style: chr5-150376322-G-A. GRCh37 (hg19) VCF-style: chr5-149755885-G-A.
Other names: c.1903G>A, p.Val635Met (NM_000356.4, NM_001135245.2); c.2134G>A, p.Val712Met (NM_001008657.3, NM_001135243.2, NM_001135244.2 and 1 more transcripts); short protein forms V712M, V635M.
Identifiers: ClinVar variation 3716932 (VCV003716932.2).
Genomic context (GRCh38, chr5:150,376,322, plus strand): 5'-GATTCTTCAAGCAGTGAGGAATCAGATAGTGAGGAAGAGAAGACAGGTCTTGCAGTAACC[G>A]TGGGACAGGTGAGGCCTGTGTTTTCTGGGCGGGCCTCAGGGCCGCCCCTACGTGGTCCTT-3'
Protein context (NP_001358552.1, residues 702-722): EEEKTGLAVT[Val712Met]GQAKSVGKGL